The following is an entry in ClinVar:

NM_014141.6(CNTNAP2):c.3716-6C>G

Gene: CNTNAP2 (contactin associated protein 2; plus strand). Cytogenetic location: 7q36.1.
Variant type: single nucleotide variant.
Coding change: c.3716-6C>G on transcript NM_014141.6 (MANE Select); 6 bases into the intron before coding-DNA position 3716, C replaced by G.
Molecular consequence: intron variant.
Genome position (GRCh38, 1-based): chr7:148,409,385, C>G. VCF-style: chr7-148409385-C-G. GRCh37 (hg19) VCF-style: chr7-148106477-C-G.
Identifiers: ClinVar variation 95572 (VCV000095572.32), dbSNP rs77025884, ClinGen allele CA285688.

ClinVar aggregate classification (germline): Conflicting classifications of pathogenicity. Review status: criteria provided, conflicting classifications (1 of 4 stars). 13 submissions from 13 submitters: Uncertain significance (1); Benign (8); Likely benign (2). 2 of the submissions do not count toward it. Last evaluated 2026-02-04.

Conditions:
Autism, susceptibility to, 15. Also called: Autism susceptibility 15. Identifiers: MedGen C2677504, MONDO:0012801, OMIM 612100.
Cortical dysplasia-focal epilepsy syndrome (PTHSL1). Also called: Pitt-Hopkins-like syndrome 1. Identifiers: Orphanet 163681, Orphanet 221150, MedGen C2750246, MONDO:0012400, OMIM 610042.

Allele frequency attached by ClinVar (database versions not stated): gnomAD 0.00004 and 0.00003; TOPMed 0.54966; gnomAD exomes 0.07470; ExAC 0.00458.

Submissions (30):

Labcorp Genetics (formerly Invitae), Labcorp
Classification: Benign for Cortical dysplasia-focal epilepsy syndrome. Last evaluated: 2026-02-04. Review status: criteria provided, single submitter. Criteria: Invitae Variant Classification Sherloc (09022015). Collection method: clinical testing. Allele origin: germline.

Mayo Clinic Laboratories, Mayo Clinic
Classification: Benign. Last evaluated: 2018-06-26. Review status: criteria provided, single submitter. Criteria: ACMG Guidelines, 2015. Collection method: clinical testing. Allele origin: germline. Observed: 252 variant alleles.

Illumina Laboratory Services, Illumina
Classification: Likely benign for Cortical dysplasia-focal epilepsy syndrome. Last evaluated: 2018-01-12. Review status: criteria provided, single submitter. Criteria: ICSL Variant Classification Criteria 13 December 2019. Collection method: clinical testing. Allele origin: germline.
Comment: This variant was observed in the ICSL laboratory as part of a predisposition screen in an ostensibly healthy population. It had not been previously curated by ICSL or reported in the Human Gene Mutation Database (HGMD: prior to June 1st, 2018), and was therefore a candidate for classification through an automated scoring system. Utilizing variant allele frequency, disease prevalence and penetrance estimates, and inheritance mode, an automated score was calculated to assess if this variant is too frequent to cause the disease. Based on the score and internal cut-off values, a variant classified as likely benign is not then subjected to further curation. The score for this variant resulted in a classification of likely benign for this disease.

Athena Diagnostics
Classification: Benign for Cortical dysplasia-focal epilepsy syndrome. Last evaluated: 2017-04-28. Review status: criteria provided, single submitter. Criteria: Athena Diagnostics Criteria. Collection method: clinical testing. Allele origin: germline.

Eurofins Ntd Llc (ga)
Classification: Benign. Last evaluated: 2015-08-20. Review status: criteria provided, single submitter. Criteria: EGL Classification Definitions 2015. Collection method: clinical testing. Allele origin: germline. Observed: 15 variant alleles, 5 heterozygotes, 10 homozygotes.

Genetic Services Laboratory, University of Chicago
Classification: Benign for AllHighlyPenetrant. Last evaluated: 2014-01-24. Review status: criteria provided, single submitter. Criteria: ACMG Guidelines, 2007. Collection method: clinical testing. Allele origin: germline. Inheritance: Autosomal recessive inheritance.

GeneDx
Classification: Benign. Last evaluated: 2013-05-30. Review status: criteria provided, single submitter. Criteria: GeneDx Variant Classification (06012015). Collection method: clinical testing. Allele origin: germline. Affected: yes.
Comment: This variant is considered likely benign or benign based on one or more of the following criteria: it is a conservative change, it occurs at a poorly conserved position in the protein, it is predicted to be benign by multiple in silico algorithms, and/or has population frequency not consistent with disease.

Breakthrough Genomics
Classification: Likely benign. Review status: criteria provided, single submitter. Criteria: ACMG Guidelines, 2015. Collection method: not provided. Allele origin: germline. Inheritance: Autosomal recessive inheritance. Affected: yes.

Center for Genomics, Ann and Robert H. Lurie Children's Hospital of Chicago
Classification: Uncertain significance for Cortical dysplasia-focal epilepsy syndrome; Autism, susceptibility to, 15. Review status: criteria provided, single submitter. Criteria: ACMG Guidelines, 2015. Collection method: clinical testing. Allele origin: germline.
Comment: CNTNAP2 NM_014141 exon 23 c.3716-6C>G: This variant has not been reported in the literature but is present in 12% (1198/9918) of African individuals, including 400 homozygotes in the Genome Aggregation Database. This variant is present in ClinVar, with several labs classifying this variant as benign (Variation ID: 95572). Evolutionary conservation and computational predictive tools for this variant are limited or unavailable. In summary, data on this variant suggests that this variant does not cause disease, but requires further evidence. Therefore this variant is classified as Likely Benign.

Pathology and Clinical Laboratory Medicine, King Fahad Medical City
Classification: Benign. Review status: criteria provided, single submitter. Criteria: ACMG Guidelines, 2015. Collection method: clinical testing. Allele origin: germline. Affected: no. Observed: 243 variant alleles.

PreventionGenetics, part of Exact Sciences
Classification: Benign. Review status: criteria provided, single submitter. Criteria: ACMG Guidelines, 2015. Collection method: clinical testing. Allele origin: germline.

Clinical Genetics DNA and cytogenetics Diagnostics Lab, Erasmus MC, Erasmus Medical Center
Classification: Benign. Review status: no assertion criteria provided. Collection method: clinical testing. Allele origin: germline. Affected: yes. Study: VKGL Data-share Consensus. Not counted in ClinVar's aggregate classification.

Dr. Peter K. Rogan Lab, Western University
No classification provided (evidence only). Condition: Lung cancer. Review status: no classification provided. Collection method: in vitro. Allele origin: not applicable. Functional consequence: retained intron. Not counted in ClinVar's aggregate classification.

Dr. Peter K. Rogan Lab, Western University
No classification provided (evidence only). Condition: Familial cancer of breast. Review status: no classification provided. Collection method: in vitro. Allele origin: not applicable. Functional consequence: retained intron. Not counted in ClinVar's aggregate classification.

Dr. Peter K. Rogan Lab, Western University
No classification provided (evidence only). Condition: Familial cancer of breast. Review status: no classification provided. Collection method: in vitro. Allele origin: not applicable. Functional consequence: retained intron. Not counted in ClinVar's aggregate classification.

Dr. Peter K. Rogan Lab, Western University
No classification provided (evidence only). Condition: Familial cancer of breast. Review status: no classification provided. Collection method: in vitro. Allele origin: not applicable. Functional consequence: retained intron. Not counted in ClinVar's aggregate classification.

Dr. Peter K. Rogan Lab, Western University
No classification provided (evidence only). Condition: Familial cancer of breast. Review status: no classification provided. Collection method: in vitro. Allele origin: not applicable. Functional consequence: retained intron. Not counted in ClinVar's aggregate classification.

Dr. Peter K. Rogan Lab, Western University
No classification provided (evidence only). Condition: Acute myeloid leukemia. Review status: no classification provided. Collection method: in vitro. Allele origin: not applicable. Functional consequence: retained intron. Not counted in ClinVar's aggregate classification.

Dr. Peter K. Rogan Lab, Western University
No classification provided (evidence only). Condition: Uterine corpus endometrial carcinoma. Review status: no classification provided. Collection method: in vitro. Allele origin: not applicable. Functional consequence: retained intron. Not counted in ClinVar's aggregate classification.

Dr. Peter K. Rogan Lab, Western University
No classification provided (evidence only). Condition: Uterine corpus endometrial carcinoma. Review status: no classification provided. Collection method: in vitro. Allele origin: not applicable. Functional consequence: retained intron. Not counted in ClinVar's aggregate classification.

Dr. Peter K. Rogan Lab, Western University
No classification provided (evidence only). Condition: Malignant lymphoma, large B-cell, diffuse. Review status: no classification provided. Collection method: in vitro. Allele origin: not applicable. Functional consequence: retained intron. Not counted in ClinVar's aggregate classification.

Dr. Peter K. Rogan Lab, Western University
No classification provided (evidence only). Condition: Chronic lymphocytic leukemia/small lymphocytic lymphoma. Review status: no classification provided. Collection method: in vitro. Allele origin: not applicable. Functional consequence: retained intron. Not counted in ClinVar's aggregate classification.

Dr. Peter K. Rogan Lab, Western University
No classification provided (evidence only). Condition: Chronic lymphocytic leukemia/small lymphocytic lymphoma. Review status: no classification provided. Collection method: in vitro. Allele origin: not applicable. Functional consequence: retained intron. Not counted in ClinVar's aggregate classification.

Dr. Peter K. Rogan Lab, Western University
No classification provided (evidence only). Condition: Chronic lymphocytic leukemia/small lymphocytic lymphoma. Review status: no classification provided. Collection method: in vitro. Allele origin: not applicable. Functional consequence: retained intron. Not counted in ClinVar's aggregate classification.

Dr. Peter K. Rogan Lab, Western University
No classification provided (evidence only). Condition: Nonpapillary renal cell carcinoma. Review status: no classification provided. Collection method: in vitro. Allele origin: not applicable. Functional consequence: retained intron. Not counted in ClinVar's aggregate classification.

Dr. Peter K. Rogan Lab, Western University
No classification provided (evidence only). Condition: Lymphoma. Review status: no classification provided. Collection method: in vitro. Allele origin: not applicable. Functional consequence: retained intron. Not counted in ClinVar's aggregate classification.

Dr. Peter K. Rogan Lab, Western University
No classification provided (evidence only). Condition: Ovarian cancer. Review status: no classification provided. Collection method: in vitro. Allele origin: not applicable. Functional consequence: retained intron. Not counted in ClinVar's aggregate classification.

Dr. Peter K. Rogan Lab, Western University
No classification provided (evidence only). Condition: Ovarian cancer. Review status: no classification provided. Collection method: in vitro. Allele origin: not applicable. Functional consequence: retained intron. Not counted in ClinVar's aggregate classification.

Dr. Peter K. Rogan Lab, Western University
No classification provided (evidence only). Condition: Ovarian cancer. Review status: no classification provided. Collection method: in vitro. Allele origin: not applicable. Functional consequence: retained intron. Not counted in ClinVar's aggregate classification.

Genome Diagnostics Laboratory, University Medical Center Utrecht
Classification: Benign. Review status: no assertion criteria provided. Collection method: clinical testing. Allele origin: germline. Affected: yes. Study: VKGL Data-share Consensus. Not counted in ClinVar's aggregate classification.